The following is an entry in ClinVar:

NM_002474.3(MYH11):c.1830C>T (p.Ser610=)

Gene: MYH11 (myosin heavy chain 11; minus strand). Cytogenetic location: 16p13.11.
Variant type: single nucleotide variant.
Coding change: c.1830C>T on transcript NM_002474.3 (MANE Select); coding-DNA position 1830, C replaced by T.
Protein change: p.Ser610=; no amino-acid change (serine 610 retained).
Molecular consequence: synonymous variant.
Genome position (GRCh38, 1-based): chr16:15,753,428, G>A on the plus strand (C>T on the coding strand, the complement: MYH11 is on the minus strand). VCF-style: chr16-15753428-G-A. GRCh37 (hg19) VCF-style: chr16-15847285-G-A.
Other names: c.1851C>T, p.Ser617= (NM_001040113.2, NM_001040114.2); c.1830C>T, p.Ser610= (NM_022844.3).
Identifiers: ClinVar variation 926713 (VCV000926713.5), dbSNP rs765680882, ClinGen allele CA7922503.

ClinVar aggregate classification (germline): Likely benign. Review status: criteria provided, multiple submitters, no conflicts (2 of 4 stars). 3 submissions from 3 submitters: Likely benign (3). Last evaluated 2023-12-18.

Conditions:
Familial thoracic aortic aneurysm and aortic dissection (TAAD). Also called: Thoracic aortic aneurysms and dissections. Identifiers: Orphanet 91387, MedGen C4707243, MONDO:0019625.

Allele frequency attached by ClinVar (database versions not stated): gnomAD exomes below 0.00001 and 0.00001; TOPMed below 0.00001; ExAC 0.00001; gnomAD 0.00001.
gnomAD v4.1: 5 of 1,614,038 alleles (0.00031%); highest among the groups gnomAD compares: South Asian, 0.0011%; no homozygotes.

Submissions (3):

All of Us Research Program, National Institutes of Health
Classification: Likely benign for Familial thoracic aortic aneurysm and aortic dissection. Last evaluated: 2023-12-18. Review status: criteria provided, single submitter. Criteria: ACMG Guidelines, 2015. Collection method: clinical testing. Allele origin: germline. Inheritance: Autosomal dominant inheritance. Observed: 3 variant alleles, 3 heterozygotes.
Comment: This study involves interpretation of variants in research participants for the purpose of population health screening. Participant phenotype was not available at the time of variant classification. Additional details can be found in publication PMID: 35346344, PMCID: PMC8962531

Ambry Genetics
Classification: Likely benign for Familial thoracic aortic aneurysm and aortic dissection. Last evaluated: 2020-03-22. Review status: criteria provided, single submitter. Criteria: Ambry Variant Classification Scheme 2023. Collection method: clinical testing. Allele origin: germline.

Color Diagnostics, LLC DBA Color Health
Classification: Likely benign for Familial thoracic aortic aneurysm and aortic dissection. Last evaluated: 2018-12-10. Review status: criteria provided, single submitter. Criteria: ACMG Guidelines, 2015. Collection method: clinical testing. Allele origin: germline.